The following is an entry in ClinVar:

ClinVar aggregate classification (germline): Benign/Likely benign. Review status: criteria provided, multiple submitters, no conflicts (2 of 4 stars). 10 submissions from 10 submitters: Benign (1); Likely benign (6). 3 of the submissions do not count toward it. Last evaluated 2026-02-01.

Conditions:
KMT2D-related disorder. Also called: KMT2D-Related Disorders.
Kabuki syndrome. Also called: NIIKAWA-KUROKI SYNDROME; Kabuki make-up syndrome. Identifiers: Orphanet 2322, MedGen C0796004, MONDO:0016512.
Kabuki syndrome 1 (KABUK1). Also called: KMT2D-Related Kabuki Syndrome. Identifiers: Orphanet 2322, MedGen CN030661, MONDO:0007843, OMIM 147920.

Allele frequency attached by ClinVar (database versions not stated): gnomAD exomes 0.00014 and 0.00047; gnomAD 0.00020 and 0.00021; TOPMed 0.00026; 1000 Genomes Project 0.00040; ExAC 0.00016; 1000 Genomes Project 30x 0.00031; ESP Exome Variant Server 0.00084.
gnomAD v4.1: 718 of 1,613,638 alleles (0.044%); highest among the groups gnomAD compares: Non-Finnish European, 0.058%; no homozygotes.

Submissions (10):

Labcorp Genetics (formerly Invitae), Labcorp
Classification: Likely benign for Kabuki syndrome. Last evaluated: 2026-02-01. Review status: criteria provided, single submitter. Criteria: Invitae Variant Classification Sherloc (09022015). Collection method: clinical testing. Allele origin: germline.

CeGaT Center for Human Genetics Tuebingen
Classification: Likely benign. Last evaluated: 2025-06-01. Review status: criteria provided, single submitter. Criteria: CeGaT Center For Human Genetics Tuebingen Variant Classification Criteria Version 2. Collection method: clinical testing. Allele origin: germline. Affected: yes. Observed: 2 variant alleles.
Comment: KMT2D: BS1

Blueprint Genetics
Classification: Likely benign. Last evaluated: 2024-06-17. Review status: criteria provided, single submitter. Criteria: ACMG Guidelines, 2015. Collection method: clinical testing. Allele origin: germline.

Fulgent Genetics
Classification: Likely benign for Kabuki syndrome 1. Last evaluated: 2022-02-18. Review status: criteria provided, single submitter. Criteria: ACMG Guidelines, 2015. Collection method: clinical testing. Allele origin: unknown.

GeneDx
Classification: Likely benign. Last evaluated: 2021-03-04. Review status: criteria provided, single submitter. Criteria: GeneDx Variant Classification Process June 2021. Collection method: clinical testing. Allele origin: germline. Affected: yes.

Athena Diagnostics
Classification: Likely benign. Last evaluated: 2019-04-29. Review status: criteria provided, single submitter. Criteria: Athena Diagnostics Criteria. Collection method: clinical testing. Allele origin: germline.

Eurofins Ntd Llc (ga)
Classification: Benign. Last evaluated: 2014-01-09. Review status: criteria provided, single submitter. Criteria: EGL Classification Definitions 2015. Collection method: clinical testing. Allele origin: germline. Observed: 1 variant allele, 1 heterozygote.

PreventionGenetics, part of Exact Sciences
Classification: Likely benign for KMT2D-related condition. Last evaluated: 2022-04-13. Review status: no assertion criteria provided. Collection method: clinical testing. Allele origin: germline. Not counted in ClinVar's aggregate classification.
Comment: This variant is classified as likely benign based on ACMG/AMP sequence variant interpretation guidelines (Richards et al. 2015 PMID: 25741868, with internal and published modifications).

ITMI
No classification provided. Condition: AllHighlyPenetrant. Last evaluated: 2013-09-19. Review status: no classification provided. Collection method: reference population. Allele origin: germline. Not counted in ClinVar's aggregate classification.
Comment: Please see associated publication for description of ethnicities

Department of Pathology and Laboratory Medicine, Sinai Health System
Classification: Benign. Review status: no assertion criteria provided. Collection method: clinical testing. Allele origin: unknown. Affected: yes. Study: The Canadian Open Genetics Repository (COGR). Not counted in ClinVar's aggregate classification.
Comment: The KMT2D p.G2279E variant was not identified in the literature but was identified in dbSNP (ID: rs200578414) and ClinVar (classified as benign by EGL Genetic Diagnostics; and as likely benign by Athena Diagnostics Inc and Invitae for Kabuki syndrome).Â¬â€ The variant was identified in control databases in 43 of 279806 chromosomes at a frequency of 0.0001537, and was observed at the highest frequency in the Euopean (non-Finnish) population in 40 of 127886 chromosomes (freq: 0.0003128) (Genome Aggregation Database March 6, 2019, v2.1.1). This is greater than expected for the rare, autosomal dominant Kabuki syndrome associated with KMT2D variants.Â¬â€ The p.G2279 residue is not highly conserved in mammals however computational analyses (MUT Assesor, PolyPhen-2, SIFT, MutationTaster, Revel, FATHMM, MetaLR, DANN) suggest that the variant may impact the protein; however, this information is not predictive enough to assume pathogenicity.Â¬â€ The variant occurs outside of the splicing consensus sequence and in silico or computational prediction software programs (Splice AI exome) do not predict a difference in splicing.Â¬â€ In summary, based on the above information this variant meets our laboratory's criteria to be classified as benign.

Literature cited by the submitters: PubMed 24728327 (cited by ITMI).

NM_003482.4(KMT2D):c.6836G>A (p.Gly2279Glu)

Gene: KMT2D (lysine methyltransferase 2D; minus strand). Cytogenetic location: 12q13.12.
Variant type: single nucleotide variant.
Coding change: c.6836G>A on transcript NM_003482.4 (MANE Select); coding-DNA position 6836, G replaced by A.
Protein change: p.Gly2279Glu; replaces glycine 2279 with glutamic acid.
Molecular consequence: missense variant.
Genome position (GRCh38, 1-based): chr12:49,040,934, C>T on the plus strand (G>A on the coding strand, the complement: KMT2D is on the minus strand). VCF-style: chr12-49040934-C-T. GRCh37 (hg19) VCF-style: chr12-49434717-C-T.
Other names: short protein forms G2279E.
Identifiers: ClinVar variation 134695 (VCV000134695.38), dbSNP rs200578414, ClinGen allele CA160557.